The following is an entry in ClinVar:

ClinVar aggregate classification (germline): Pathogenic (1 of 4 stars; one submission).

Conditions:
USH2A-related disorder. Also called: USH2A-related condition; USH2A-related disorders. Identifiers: MedGen CN239332.

Submission:

Myriad Genetics, Inc.
Classification: Pathogenic for USH2A-related disorder. Last evaluated: 2024-07-22. Review status: criteria provided, single submitter. Criteria: Myriad Autosomal Dominant, Autosomal Recessive and X-Linked Classification Criteria (2023). Collection method: clinical testing. Allele origin: unknown.
Comment: NM_206933.2(USH2A):c.3522_3523insAA(Q1175Nfs*6) is expected to be pathogenic in the context of USH2A-related disorders. This variant is predicted to lead to an abnormal or absent protein product due to the creation of a premature termination codon in USH2A, a gene where loss-of-function variants are known to be pathogenic. Please note: this variant was assessed in the context of healthy population screening.

NM_206933.4(USH2A):c.3522_3523insAA (p.Gln1175fs)

Genes: USH2A (usherin; minus strand), USH2A-AS1 (USH2A antisense RNA 1; plus strand). Cytogenetic location: 1q41.
Variant type: Insertion.
Coding change: c.3522_3523insAA on transcript NM_206933.4 (MANE Select); coding-DNA positions 3522 to 3523, AA inserted.
Protein change: p.Gln1175fs; shifts the reading frame from glutamine 1175.
Molecular consequence: frameshift variant.
Genome position: GRCh38 VCF-style: chr1-216199915-G-GTT. GRCh37 (hg19) VCF-style: chr1-216373257-G-GTT.
Other names: c.3522_3523insAA, p.Gln1175fs (NM_007123.6); short protein forms Q1175fs.
Identifiers: ClinVar variation 5013346 (VCV005013346.1).
Genomic context (GRCh38, chr1:216,199,915, plus strand): 5'-ATGGCTGACCACCAGCCAAAGGGGCACAGGACAAAATATATTTCTCTATGGGACCAGATT[G>GTT]ATTTGAGAGTGTTGTCCAGGTAAGTGTCACAGAGTCTGAGCCAATAGGAATGATATAACT-3'